The following is an entry in ClinVar:

ClinVar aggregate classification (germline): Uncertain significance. Review status: criteria provided, multiple submitters, no conflicts (2 of 4 stars). 2 submissions from 2 submitters: Uncertain significance (2). Last evaluated 2025-11-27.

Conditions:
Inborn genetic diseases. Identifiers: MedGen C0950123, MeSH D030342.

gnomAD v4.1: 15 of 1,613,554 alleles (0.00093%); highest among the groups gnomAD compares: East Asian, 0.0045%; no homozygotes.

Submissions (2):

Labcorp Genetics (formerly Invitae), Labcorp
Classification: Uncertain significance. Last evaluated: 2025-11-27. Review status: criteria provided, single submitter. Criteria: Invitae Variant Classification Sherloc (09022015). Collection method: clinical testing. Allele origin: germline.
Comment: This sequence change replaces tyrosine, which is neutral and polar, with cysteine, which is neutral and slightly polar, at codon 323 of the TRIM37 protein (p.Tyr323Cys). This variant is present in population databases (rs751975452, gnomAD 0.01%). This variant has not been reported in the literature in individuals affected with TRIM37-related conditions. ClinVar contains an entry for this variant (Variation ID: 3461306). Invitae Evidence Modeling of protein sequence and biophysical properties (such as structural, functional, and spatial information, amino acid conservation, physicochemical variation, residue mobility, and thermodynamic stability) indicates that this missense variant is not expected to disrupt TRIM37 protein function with a negative predictive value of 80%. In summary, the available evidence is currently insufficient to determine the role of this variant in disease. Therefore, it has been classified as a Variant of Uncertain Significance.

Ambry Genetics
Classification: Uncertain significance for Inborn genetic diseases. Last evaluated: 2024-12-10. Review status: criteria provided, single submitter. Criteria: Ambry Variant Classification Scheme 2023. Collection method: clinical testing. Allele origin: germline.

NM_015294.6(TRIM37):c.968A>G (p.Tyr323Cys)

Gene: TRIM37 (tripartite motif containing 37; minus strand). Cytogenetic location: 17q22.
Variant type: single nucleotide variant.
Coding change: c.968A>G on transcript NM_015294.6 (MANE Select); coding-DNA position 968, A replaced by G.
Protein change: p.Tyr323Cys; replaces tyrosine 323 with cysteine.
Molecular consequence: missense variant. On other transcripts: non-coding transcript variant (2).
Genome position (GRCh38, 1-based): chr17:59,061,083, T>C on the plus strand (A>G on the coding strand, the complement: TRIM37 is on the minus strand). VCF-style: chr17-59061083-T-C. GRCh37 (hg19) VCF-style: chr17-57138444-T-C.
Other names: c.968A>G, p.Tyr323Cys (NM_001005207.5, NM_001320988.3, NM_001320989.3 and 1 more transcripts); c.866A>G, p.Tyr289Cys (NM_001320987.3, NM_001353082.2); c.602A>G, p.Tyr201Cys (NM_001320990.3); c.233A>G, p.Tyr78Cys (NM_001353083.2); c.506A>G, p.Tyr169Cys (NM_001353085.2); c.917A>G, p.Tyr306Cys (NM_001353086.2); short protein forms Y78C, Y289C, Y306C, Y323C, Y201C, Y169C.
Identifiers: ClinVar variation 3461306 (VCV003461306.2).